The following is an entry in ClinVar:

NM_000246.4(CIITA):c.385G>A (p.Gly129Ser)

Gene: CIITA (class II major histocompatibility complex transactivator; plus strand). Cytogenetic location: 16p13.13.
Variant type: single nucleotide variant.
Coding change: c.385G>A on transcript NM_000246.4 (MANE Select); coding-DNA position 385, G replaced by A.
Protein change: p.Gly129Ser; replaces glycine 129 with serine.
Molecular consequence: missense variant. On other transcripts: non-coding transcript variant (1).
Genome position (GRCh38, 1-based): chr16:10,898,951, G>A. VCF-style: chr16-10898951-G-A. GRCh37 (hg19) VCF-style: chr16-10992808-G-A.
Other names: c.388G>A, p.Gly130Ser (NM_001286402.1, NM_001379330.1, NM_001379332.1); c.385G>A, p.Gly129Ser (NM_001286403.2, NM_001379331.1, NM_001379333.1); c.316G>A, p.Gly106Ser (NM_001379334.1); short protein forms G129S, G106S, G130S.
Identifiers: ClinVar variation 2163464 (VCV002163464.1), dbSNP rs751742953, ClinGen allele CA7899698.

ClinVar aggregate classification (germline): Uncertain significance (1 of 4 stars; one submission).

Conditions:
MHC class II deficiency. Also called: Bare lymphocyte syndrome 2; BLS, TYPE II. Identifiers: Orphanet 572, MedGen C5447452, MONDO:0008855.

Submission:

Labcorp Genetics (formerly Invitae), Labcorp
Classification: Uncertain significance for MHC class II deficiency. Last evaluated: 2022-06-27. Review status: criteria provided, single submitter. Criteria: Invitae Variant Classification Sherloc (09022015). Collection method: clinical testing. Allele origin: germline.
Comment: This sequence change replaces glycine, which is neutral and non-polar, with serine, which is neutral and polar, at codon 129 of the CIITA protein (p.Gly129Ser). This variant is present in population databases (rs751742953, gnomAD 0.004%). This variant has not been reported in the literature in individuals affected with CIITA-related conditions. Algorithms developed to predict the effect of missense changes on protein structure and function output the following: SIFT: "Tolerated"; PolyPhen-2: "Benign"; Align-GVGD: "Class C0". The serine amino acid residue is found in multiple mammalian species, which suggests that this missense change does not adversely affect protein function. Algorithms developed to predict the effect of sequence changes on RNA splicing suggest that this variant may disrupt the consensus splice site. In summary, the available evidence is currently insufficient to determine the role of this variant in disease. Therefore, it has been classified as a Variant of Uncertain Significance.